The following is an entry in ClinVar:

ClinVar aggregate classification (germline): Benign/Likely benign. Review status: criteria provided, multiple submitters, no conflicts (2 of 4 stars). 4 submissions from 4 submitters: Benign (1); Likely benign (3). Last evaluated 2026-05-01.

Conditions:
Inborn genetic diseases. Identifiers: MedGen C0950123, MeSH D030342.

gnomAD v4.1: 410 of 1,614,218 alleles (0.025%); highest among the groups gnomAD compares: Non-Finnish European, 0.011%; 1 homozygote.

Submissions (4):

CeGaT Center for Human Genetics Tuebingen
Classification: Likely benign. Last evaluated: 2026-05-01. Review status: criteria provided, single submitter. Criteria: CeGaT Center For Human Genetics Tuebingen Variant Classification Criteria Version 2. Collection method: clinical testing. Allele origin: germline. Affected: yes. Observed: 1 variant allele.
Comment: MACF1: BP4, BS2

Ambry Genetics
Classification: Likely benign for Inborn genetic diseases. Last evaluated: 2025-12-11. Review status: criteria provided, single submitter. Criteria: Ambry Variant Classification Scheme 2023. Collection method: clinical testing. Allele origin: germline.

Blueprint Genetics
Classification: Likely benign. Last evaluated: 2024-09-12. Review status: criteria provided, single submitter. Criteria: ACMG Guidelines, 2015. Collection method: clinical testing. Allele origin: germline.

Labcorp Genetics (formerly Invitae), Labcorp
Classification: Benign. Last evaluated: 2024-07-02. Review status: criteria provided, single submitter. Criteria: Invitae Variant Classification Sherloc (09022015). Collection method: clinical testing. Allele origin: germline.

NM_001394062.1(MACF1):c.16520A>G (p.Gln5507Arg)

Gene: MACF1 (microtubule actin crosslinking factor 1; plus strand). Cytogenetic location: 1p34.3.
Variant type: single nucleotide variant.
Coding change: c.16520A>G on transcript NM_001394062.1 (MANE Select); coding-DNA position 16520, A replaced by G.
Protein change: p.Gln5507Arg; replaces glutamine 5507 with arginine.
Molecular consequence: missense variant. On other transcripts: intron variant (1).
Genome position (GRCh38, 1-based): chr1:39,428,004, A>G. VCF-style: chr1-39428004-A-G. GRCh37 (hg19) VCF-style: chr1-39893676-A-G.
Other names: c.10334A>G, p.Gln3445Arg (NM_012090.5); c.4872+390A>G (NM_001397473.1); c.10334A>G (NM_012090.4); short protein forms Q3445R, Q5507R.
Identifiers: ClinVar variation 3709471 (VCV003709471.6).